The following is an entry in ClinVar:

NM_030665.4(RAI1):c.2225A>G (p.Asn742Ser)

Gene: RAI1 (retinoic acid induced 1; plus strand). Cytogenetic location: 17p11.2.
Variant type: single nucleotide variant.
Coding change: c.2225A>G on transcript NM_030665.4 (MANE Select); coding-DNA position 2225, A replaced by G.
Protein change: p.Asn742Ser; replaces asparagine 742 with serine.
Molecular consequence: missense variant.
Genome position (GRCh38, 1-based): chr17:17,795,173, A>G. VCF-style: chr17-17795173-A-G. GRCh37 (hg19) VCF-style: chr17-17698487-A-G.
Other names: short protein forms N742S.
Identifiers: ClinVar variation 588935 (VCV000588935.17), dbSNP rs527512369, ClinGen allele CA8418494.

ClinVar aggregate classification (germline): Conflicting classifications of pathogenicity. Review status: criteria provided, conflicting classifications (1 of 4 stars). 4 submissions from 4 submitters: Uncertain significance (3); Benign (1). Last evaluated 2026-09-03.

Conditions:
RAI1-related disorder. Also called: RAI1-related condition.
Inborn genetic diseases. Identifiers: MedGen C0950123, MeSH D030342.

Allele frequency attached by ClinVar (database versions not stated): ExAC 0.00002; gnomAD exomes 0.00002 and 0.00008; gnomAD 0.00005; TOPMed 0.00006; 1000 Genomes Project 0.00020; 1000 Genomes Project 30x 0.00031.
gnomAD v4.1: 128 of 1,613,764 alleles (0.0079%); highest among the groups gnomAD compares: Non-Finnish European, 0.01%; no homozygotes.

Submissions (4):

PreventionGenetics, part of Exact Sciences
Classification: Uncertain significance for RAI1-related condition. Last evaluated: 2026-09-03. Review status: criteria provided, single submitter. Criteria: ACMG Guidelines, 2015. Collection method: clinical testing. Allele origin: germline.
Comment: The RAI1 c.2225A>G variant is predicted to result in the amino acid substitution p.Asn742Ser. To our knowledge, this variant has not been reported in the literature. This variant is reported in 0.0035% of alleles in individuals of European (Non-Finnish) descent in gnomAD. At this time, the clinical significance of this variant is uncertain due to the absence of conclusive functional and genetic evidence.

Labcorp Genetics (formerly Invitae), Labcorp
Classification: Benign. Last evaluated: 2026-01-11. Review status: criteria provided, single submitter. Criteria: Invitae Variant Classification Sherloc (09022015). Collection method: clinical testing. Allele origin: germline.

Women's Health and Genetics/Laboratory Corporation of America, LabCorp
Classification: Uncertain significance. Last evaluated: 2025-09-04. Review status: criteria provided, single submitter. Criteria: LabCorp Variant Classification Summary - May 2015. Collection method: clinical testing. Allele origin: germline.
Comment: Variant summary: RAI1 c.2225A>G (p.Asn742Ser) results in a conservative amino acid change in the encoded protein sequence. Algorithms developed to predict the effect of missense changes on protein structure and function all suggest that this variant is likely to be tolerated. The variant allele was found at a frequency of 1.6e-05 in 251220 control chromosomes, predominantly at a frequency of 3.5e-05 within the Non-Finnish European subpopulation in the gnomAD database. The available data on variant occurrences in the general population are insufficient to allow any conclusion about variant significance. To our knowledge, no occurrence of c.2225A>G in individuals affected with RAI1-related conditions and no experimental evidence demonstrating its impact on protein function have been reported. ClinVar contains an entry for this variant (Variation ID: 588935). Based on the evidence outlined above, the variant was classified as uncertain significance.

Ambry Genetics
Classification: Uncertain significance for Inborn genetic diseases. Last evaluated: 2017-04-20. Review status: criteria provided, single submitter. Criteria: Ambry Variant Classification Scheme 2023. Collection method: clinical testing. Allele origin: germline.
Comment: The p.N742S variant (also known as c.2225A>G), located in coding exon 1 of the RAI1 gene, results from an A to G substitution at nucleotide position 2225. The asparagine at codon 742 is replaced by serine, an amino acid with highly similar properties. This amino acid position is not well conserved in available vertebrate species. In addition, this alteration is predicted to be tolerated by in silico analysis. Since supporting evidence is limited at this time, the clinical significance of this alteration remains unclear.